The following is an entry in ClinVar:

ClinVar aggregate classification (germline): Uncertain significance. Review status: criteria provided, multiple submitters, no conflicts (2 of 4 stars). 4 submissions from 4 submitters: Uncertain significance (4). Last evaluated 2025-10-22.

Allele frequency attached by ClinVar (database versions not stated): gnomAD 0.00003; gnomAD exomes 0.00003; TOPMed 0.00003; ExAC 0.00004.
gnomAD v4.1: 51 of 1,614,104 alleles (0.0032%); highest among the groups gnomAD compares: South Asian, 0.0022%; no homozygotes.

Submissions (4):

Women's Health and Genetics/Laboratory Corporation of America, LabCorp
Classification: Uncertain significance. Last evaluated: 2025-10-22. Review status: criteria provided, single submitter. Criteria: LabCorp Variant Classification Summary - May 2015. Collection method: clinical testing. Allele origin: germline.
Comment: Variant summary: SBF1 c.2516C>T (p.Thr839Met) results in a non-conservative amino acid change in the encoded protein sequence. Algorithms developed to predict the effect of missense changes on protein structure and function all suggest that this variant is likely to be disruptive. The variant allele was found at a frequency of 6.4e-05 in 249560 control chromosomes. This frequency is not significantly higher than estimated for disease-causing variants in SBF1, allowing no conclusion about variant significance. To our knowledge, no occurrence of c.2516C>T in individuals affected with SBF1-related conditions and no experimental evidence demonstrating its impact on protein function have been reported. ClinVar contains an entry for this variant (Variation ID: 2206218). Based on the evidence outlined above, the variant was classified as uncertain significance.

GeneDx
Classification: Uncertain significance. Last evaluated: 2025-04-14. Review status: criteria provided, single submitter. Criteria: GeneDx Variant Classification Process June 2021. Collection method: clinical testing. Allele origin: germline. Affected: yes.
Comment: In silico analysis supports that this missense variant has a deleterious effect on protein structure/function; Has not been previously published as pathogenic or benign to our knowledge

Labcorp Genetics (formerly Invitae), Labcorp
Classification: Uncertain significance. Last evaluated: 2025-03-17. Review status: criteria provided, single submitter. Criteria: Invitae Variant Classification Sherloc (09022015). Collection method: clinical testing. Allele origin: germline.
Comment: This sequence change replaces threonine, which is neutral and polar, with methionine, which is neutral and non-polar, at codon 839 of the SBF1 protein (p.Thr839Met). This variant is present in population databases (rs748349988, gnomAD 0.09%). This variant has not been reported in the literature in individuals affected with SBF1-related conditions. ClinVar contains an entry for this variant (Variation ID: 2206218). Invitae Evidence Modeling of protein sequence and biophysical properties (such as structural, functional, and spatial information, amino acid conservation, physicochemical variation, residue mobility, and thermodynamic stability) has been performed for this missense variant. However, the output from this modeling did not meet the statistical confidence thresholds required to predict the impact of this variant on SBF1 protein function. In summary, the available evidence is currently insufficient to determine the role of this variant in disease. Therefore, it has been classified as a Variant of Uncertain Significance.

Ambry Genetics
Classification: Uncertain significance. Last evaluated: 2022-12-06. Review status: criteria provided, single submitter. Criteria: Ambry Variant Classification Scheme 2023. Collection method: clinical testing. Allele origin: germline.

NM_002972.4(SBF1):c.2516C>T (p.Thr839Met)

Gene: SBF1 (SET binding factor 1; minus strand). Cytogenetic location: 22q13.33.
Variant type: single nucleotide variant.
Coding change: c.2516C>T on transcript NM_002972.4 (MANE Select); coding-DNA position 2516, C replaced by T.
Protein change: p.Thr839Met; replaces threonine 839 with methionine.
Molecular consequence: missense variant.
Genome position (GRCh38, 1-based): chr22:50,462,000, G>A on the plus strand (C>T on the coding strand, the complement: SBF1 is on the minus strand). VCF-style: chr22-50462000-G-A. GRCh37 (hg19) VCF-style: chr22-50900429-G-A.
Other names: c.2519C>T, p.Thr840Met (NM_001365819.1, NM_001410794.1); c.2516C>T, p.Thr839Met (NM_001410795.1, NM_197971.1); short protein forms T840M, T839M.
Identifiers: ClinVar variation 2206218 (VCV002206218.6), dbSNP rs748349988, ClinGen allele CA10317180.
Genomic context (GRCh38, chr22:50,462,000, plus strand): 5'-CCCGTACCTGGCACCATGACATGCAGCCCCTTGAGGTGGTCGCTGGTGACCCCACTCTCC[G>A]TGCAGACCTTGTCCACAAAGCGGTTGATGAAGCGGACCACAGCCCCAGCTACGTCGCAGG-3'
Protein context (NP_002963.2, residues 829-849): FINRFVDKVC[Thr839Met]ESGVTSDHLK